The following is an entry in ClinVar:

NM_000297.4(PKD2):c.1169G>A (p.Gly390Asp)

Gene: PKD2 (polycystin 2, transient receptor potential cation channel; plus strand). Cytogenetic location: 4q22.1.
Variant type: single nucleotide variant.
Coding change: c.1169G>A on transcript NM_000297.4 (MANE Select); coding-DNA position 1169, G replaced by A.
Protein change: p.Gly390Asp; replaces glycine 390 with aspartic acid.
Molecular consequence: missense variant. On other transcripts: non-coding transcript variant (1).
Genome position (GRCh38, 1-based): chr4:88,043,307, G>A. VCF-style: chr4-88043307-G-A. GRCh37 (hg19) VCF-style: chr4-88964459-G-A.
Other names: short protein forms G390D.
Identifiers: ClinVar variation 3390988 (VCV003390988.2).

ClinVar aggregate classification (germline): Uncertain significance (0 of 4 stars; one submission).

Conditions:
Polycystic kidney disease 2 (PKD2). Also called: POLYCYSTIC KIDNEY DISEASE, ADULT, TYPE II; Polycystic Kidney Disease 2, Autosomal Dominant; POLYCYSTIC KIDNEY DISEASE 2 WITH OR WITHOUT POLYCYSTIC LIVER DISEASE. Identifiers: MedGen C2751306, MONDO:0013131, OMIM 613095.

gnomAD v4.1: 1 of 1,613,536 alleles (0.000062%); highest among the groups gnomAD compares: Non-Finnish European, 0.000085%; no homozygotes.

Submission:

Diagnostics Centre, Carl Von Ossietzky University Oldenburg
Classification: Uncertain significance for Polycystic kidney disease 2. Last evaluated: 2024-05-23. Review status: no assertion criteria provided. Collection method: clinical testing. Allele origin: germline. Affected: yes. Observed: 1 variant allele.
Comment: The variant PKD2:c.1169G>A, located in the coding exon 5 of PKD2 gene, results from a guanine to adenine substitution at nucleotide position 1169. The glycine residue at protein position 390 is replaced by an asparagine. In silico tools predict a moderately deleterious effect of the variant in protein structure/function (REVEL = 0,87). The variant has not yet been described in Clinvar. This variant is classified as very rare in the overall population (MAF 6.19 * e-7 in gnomAD, v4.1.0). In summary, the variant is classified as variant of uncertain significance..